The following is an entry in ClinVar:

NM_001033855.3(DCLRE1C):c.340G>A (p.Gly114Ser)

Gene: DCLRE1C (DNA cross-link repair 1C; minus strand). Cytogenetic location: 10p13.
Variant type: single nucleotide variant.
Coding change: c.340G>A on transcript NM_001033855.3 (MANE Select); coding-DNA position 340, G replaced by A.
Protein change: p.Gly114Ser; replaces glycine 114 with serine.
Molecular consequence: missense variant. On other transcripts: 5 prime UTR variant (5), non-coding transcript variant (3), intron variant (4).
Genome position (GRCh38, 1-based): chr10:14,936,560, C>T on the plus strand (G>A on the coding strand, the complement: DCLRE1C is on the minus strand). VCF-style: chr10-14936560-C-T. GRCh37 (hg19) VCF-style: chr10-14978559-C-T.
Other names: c.-21G>A (NM_001033857.3, NM_001033858.3, NM_001289077.2 and 2 more transcripts); c.340G>A, p.Gly114Ser (NM_001350965.2); c.18-996G>A (NM_001350966.2, NM_001289078.2, NM_001289076.2 and 1 more transcripts); c.340G>A (NM_001033855.1); short protein forms G114S.
Identifiers: ClinVar variation 842503 (VCV000842503.7), dbSNP rs1443020418, ClinGen allele CA376061185.

ClinVar aggregate classification (germline): Uncertain significance. Review status: criteria provided, multiple submitters, no conflicts (2 of 4 stars). 2 submissions from 2 submitters: Uncertain significance (2). Last evaluated 2022-05-12.

Conditions:
Severe combined immunodeficiency due to DCLRE1C deficiency (RS-SCID). Also called: SCID, AUTOSOMAL RECESSIVE, T CELL-NEGATIVE, B CELL-NEGATIVE, NK CELL-POSITIVE, WITH SENSITIVITY TO IONIZING RADIATION. Identifiers: Orphanet 275, MedGen C1865371, MONDO:0011225, OMIM 602450.
Inborn genetic diseases. Identifiers: MedGen C0950123, MeSH D030342.

Allele frequency attached by ClinVar (database versions not stated): gnomAD exomes 0.00001; TOPMed below 0.00001.
gnomAD v4.1: 6 of 1,613,216 alleles (0.00037%); highest among the groups gnomAD compares: Admixed American, 0.0033%; no homozygotes.

Submissions (2):

Labcorp Genetics (formerly Invitae), Labcorp
Classification: Uncertain significance for Athabaskan severe combined immunodeficiency. Last evaluated: 2022-05-12. Review status: criteria provided, single submitter. Criteria: Invitae Variant Classification Sherloc (09022015). Collection method: clinical testing. Allele origin: germline.
Comment: This sequence change replaces glycine, which is neutral and non-polar, with serine, which is neutral and polar, at codon 114 of the DCLRE1C protein (p.Gly114Ser). This variant is present in population databases (no rsID available, gnomAD 0.006%). This variant has not been reported in the literature in individuals affected with DCLRE1C-related conditions. ClinVar contains an entry for this variant (Variation ID: 842503). Algorithms developed to predict the effect of missense changes on protein structure and function are either unavailable or do not agree on the potential impact of this missense change (SIFT: "Tolerated"; PolyPhen-2: "Probably Damaging"; Align-GVGD: "Class C0"). Algorithms developed to predict the effect of sequence changes on RNA splicing suggest that this variant may disrupt the consensus splice site. In summary, the available evidence is currently insufficient to determine the role of this variant in disease. Therefore, it has been classified as a Variant of Uncertain Significance.

Ambry Genetics
Classification: Uncertain significance for Inborn genetic diseases. Last evaluated: 2021-10-29. Review status: criteria provided, single submitter. Criteria: Ambry Variant Classification Scheme 2023. Collection method: clinical testing. Allele origin: germline.